The following is an entry in ClinVar:

NM_002691.4(POLD1):c.971-9G>T

Gene: POLD1 (DNA polymerase delta 1, catalytic subunit; plus strand). Cytogenetic location: 19q13.33.
Variant type: single nucleotide variant.
Coding change: c.971-9G>T on transcript NM_002691.4 (MANE Select); 9 bases into the intron before coding-DNA position 971, G replaced by T.
Molecular consequence: intron variant.
Genome position (GRCh38, 1-based): chr19:50,403,044, G>T. VCF-style: chr19-50403044-G-T. GRCh37 (hg19) VCF-style: chr19-50906301-G-T.
Other names: c.971-9G>T (NM_001256849.1, NM_001308632.1).
Identifiers: ClinVar variation 3904336 (VCV003904336.1).

ClinVar aggregate classification (germline): Likely benign (1 of 4 stars; one submission).

Conditions:
POLD1-related polyposis and colorectal cancer syndrome (CRCS10). Also called: Colorectal cancer 10; COLORECTAL CANCER, SUSCEPTIBILITY TO, ON CHROMOSOME 19q; Colorectal cancer, susceptibility to, 10. Identifiers: Orphanet 220460, MedGen C2675481, MONDO:0012953, OMIM 612591.

gnomAD v4.1: 2 of 1,554,564 alleles (0.00013%); no homozygotes.

Submission:

Myriad Genetics, Inc.
Classification: Likely benign for POLD1-related polyposis and colorectal cancer syndrome. Last evaluated: 2025-02-05. Review status: criteria provided, single submitter. Criteria: Myriad Autosomal Dominant, Autosomal Recessive and X-Linked Classification Criteria (2023). Collection method: clinical testing. Allele origin: unknown.
Comment: This variant is considered likely benign. This variant is intronic and is not expected to impact mRNA splicing.